The following is an entry in ClinVar:

ClinVar aggregate classification (germline): Pathogenic (1 of 4 stars; one submission).

Conditions:
Hereditary spastic paraplegia 15 (SPG15). Also called: SPASTIC PARAPLEGIA 15, AUTOSOMAL RECESSIVE; KJELLIN SYNDROME; SPASTIC PARAPLEGIA AND RETINAL DEGENERATION. Identifiers: Orphanet 100996, MedGen C1849128, MONDO:0010044, OMIM 270700.

Submission:

Myriad Genetics, Inc.
Classification: Pathogenic for Hereditary spastic paraplegia 15. Last evaluated: 2026-03-08. Review status: criteria provided, single submitter. Criteria: Myriad Autosomal Dominant, Autosomal Recessive and X-Linked Classification Criteria (2023). Collection method: clinical testing. Allele origin: unknown.
Comment: NM_015346.3(ZFYVE26):c.158_162dup5(Q55Yfs*12) is expected to be pathogenic in the context of spastic paraplegia type 15. This variant is predicted to lead to an abnormal or absent protein product due to the creation of a premature termination codon in ZFYVE26, a gene where loss-of-function variants are known to be pathogenic. Please note: this variant was assessed in the context of healthy population screening.

NM_015346.4(ZFYVE26):c.158_162dup (p.Gln55fs)

Gene: ZFYVE26 (zinc finger FYVE-type containing 26; minus strand). Cytogenetic location: 14q24.1.
Variant type: Duplication.
Coding change: c.158_162dup on transcript NM_015346.4 (MANE Select); coding-DNA positions 158 to 162, 5 bases duplicated (TACTT; older notation c.158_162dupTACTT).
Protein change: p.Gln55fs; shifts the reading frame from glutamine 55.
Molecular consequence: frameshift variant.
Genome position (GRCh38, 1-based): chr14:67,815,802-67,815,806, AAGTA duplicated on the plus strand (TACTT on the coding strand, the reverse complement: ZFYVE26 is on the minus strand). VCF-style (leftmost placement, unchanged base first): chr14-67815801-G-GAAGTA. GRCh37 (hg19) VCF-style: chr14-68282518-G-GAAGTA.
Other names: short protein forms Q55fs.
Identifiers: ClinVar variation 5015653 (VCV005015653.1).